The following is an entry in ClinVar:

NM_000238.4(KCNH2):c.2937G>C (p.Lys979Asn)

Gene: KCNH2 (potassium voltage-gated channel subfamily H member 2; minus strand). Cytogenetic location: 7q36.1.
Variant type: single nucleotide variant.
Coding change: c.2937G>C on transcript NM_000238.4 (MANE Select); coding-DNA position 2937, G replaced by C.
Protein change: p.Lys979Asn; replaces lysine 979 with asparagine.
Molecular consequence: missense variant. On other transcripts: non-coding transcript variant (2).
Genome position (GRCh38, 1-based): chr7:150,947,634, C>G on the plus strand (G>C on the coding strand, the complement: KCNH2 is on the minus strand). VCF-style: chr7-150947634-C-G. GRCh37 (hg19) VCF-style: chr7-150644722-C-G.
Other names: c.2649G>C, p.Lys883Asn (NM_001406753.1); c.1917G>C, p.Lys639Asn (NM_172057.3); short protein forms K979N, K883N, K639N.
Identifiers: ClinVar variation 2773421 (VCV002773421.2), dbSNP rs2116931783, ClinGen allele CA369853096.
Genomic context (GRCh38, chr7:150,947,634, plus strand): 5'-GTCCTCCCTCGCCCGCCCGTCGCCCGGGATACCTGACAGGGGGTTGCAAGTGTCGCTGCT[C>G]TTCTCGCAGTCCTCCATCAGGGGCTCCCCACCCGGCGGCTCTCCGGGGGGCCTGGGGCTG-3'
Protein context (NP_000229.1, residues 969-989): GGEPLMEDCE[Lys979Asn]SSDTCNPLSG

ClinVar aggregate classification (germline): Uncertain significance (1 of 4 stars; one submission).

Conditions:
Cardiac arrhythmia. Also called: Arrhythmia; Cardiac rhythm disease. Identifiers: MedGen C0003811, MONDO:0007263, HP:0011675.

Submission:

Color Diagnostics, LLC DBA Color Health
Classification: Uncertain significance for Cardiac arrhythmia. Last evaluated: 2024-03-06. Review status: criteria provided, single submitter. Criteria: ACMG Guidelines, 2015. Collection method: clinical testing. Allele origin: germline.
Comment: This missense variant replaces lysine with asparagine at codon 979 of the KCNH2 protein. Computational prediction suggests that this variant may not impact protein structure and function (internally defined REVEL score threshold <= 0.5, PMID: 27666373). To our knowledge, functional studies have not been reported for this variant. This variant has not been reported in individuals affected with cardiovascular disorders in the literature. This variant has not been identified in the general population by the Genome Aggregation Database (gnomAD). The available evidence is insufficient to determine the role of this variant in disease conclusively. Therefore, this variant is classified as a Variant of Uncertain Significance.